The following is an entry in ClinVar:

ClinVar aggregate classification (germline): Uncertain significance. Review status: criteria provided, multiple submitters, no conflicts (2 of 4 stars). 3 submissions from 3 submitters: Uncertain significance (3). Last evaluated 2025-08-12.

Conditions:
Inborn genetic diseases. Identifiers: MedGen C0950123, MeSH D030342.

Allele frequency attached by ClinVar (database versions not stated): ESP Exome Variant Server 0.00008.
gnomAD v4.1: 98 of 1,613,924 alleles (0.0061%); highest among the groups gnomAD compares: South Asian, 0.019%; no homozygotes.

Submissions (3):

Ambry Genetics
Classification: Uncertain significance for Inborn genetic diseases. Last evaluated: 2025-08-12. Review status: criteria provided, single submitter. Criteria: Ambry Variant Classification Scheme 2023. Collection method: clinical testing. Allele origin: germline.

Labcorp Genetics (formerly Invitae), Labcorp
Classification: Uncertain significance. Last evaluated: 2022-08-22. Review status: criteria provided, single submitter. Criteria: Invitae Variant Classification Sherloc (09022015). Collection method: clinical testing. Allele origin: germline.
Comment: This sequence change replaces alanine, which is neutral and non-polar, with threonine, which is neutral and polar, at codon 572 of the TSPEAR protein (p.Ala572Thr). This variant is present in population databases (rs140706843, gnomAD 0.02%). This variant has not been reported in the literature in individuals affected with TSPEAR-related conditions. Algorithms developed to predict the effect of missense changes on protein structure and function output the following: SIFT: "Deleterious"; PolyPhen-2: "Benign"; Align-GVGD: "Class C0". The threonine amino acid residue is found in multiple mammalian species, which suggests that this missense change does not adversely affect protein function. In summary, the available evidence is currently insufficient to determine the role of this variant in disease. Therefore, it has been classified as a Variant of Uncertain Significance.

GeneDx
Classification: Uncertain significance. Last evaluated: 2022-05-18. Review status: criteria provided, single submitter. Criteria: GeneDx Variant Classification Process June 2021. Collection method: clinical testing. Allele origin: germline. Affected: yes.
Comment: In silico analysis supports that this missense variant does not alter protein structure/function; Has not been previously published as pathogenic or benign to our knowledge

NM_144991.3(TSPEAR):c.1714G>A (p.Ala572Thr)

Genes: TSPEAR (thrombospondin type laminin G domain and EAR repeats; minus strand), TSPEAR-AS1 (TSPEAR antisense RNA 1; plus strand), LOC126653398 (CDK7 strongly-dependent group 2 enhancer GRCh37_chr21:45928270-45929469; plus strand). Cytogenetic location: 21q22.3.
Variant type: single nucleotide variant.
Coding change: c.1714G>A on transcript NM_144991.3 (MANE Select); coding-DNA position 1714, G replaced by A.
Protein change: p.Ala572Thr; replaces alanine 572 with threonine.
Molecular consequence: missense variant.
Genome position (GRCh38, 1-based): chr21:44,509,239, C>T on the plus strand (G>A on the coding strand, the complement: TSPEAR is on the minus strand). VCF-style: chr21-44509239-C-T. GRCh37 (hg19) VCF-style: chr21-45929122-C-T.
Other names: c.1510G>A, p.Ala504Thr (NM_001272037.2); short protein forms A504T, A572T.
Identifiers: ClinVar variation 1800483 (VCV001800483.5), dbSNP rs140706843, ClinGen allele CA10056409.